The following is an entry in ClinVar:

NM_001267550.2(TTN):c.32858C>T (p.Ala10953Val)

Gene: TTN (titin; minus strand). Cytogenetic location: 2q31.2.
Variant type: single nucleotide variant.
Coding change: c.32858C>T on transcript NM_001267550.2 (MANE Select); coding-DNA position 32858, C replaced by T.
Protein change: p.Ala10953Val; replaces alanine 10953 with valine.
Molecular consequence: missense variant. On other transcripts: intron variant (3).
Genome position (GRCh38, 1-based): chr2:178,683,240, G>A on the plus strand (C>T on the coding strand, the complement: TTN is on the minus strand). VCF-style: chr2-178683240-G-A. GRCh37 (hg19) VCF-style: chr2-179547967-G-A.
Other names: c.32858C>T (LRG_391t1); c.31907C>T, p.Ala10636Val (NM_001256850.1); c.29126C>T, p.Ala9709Val (NM_133378.4); c.13283-40923C>T (NM_003319.4); c.13859-40923C>T (NM_133437.4); c.13658-40923C>T (NM_133432.3); short protein forms A10953V, A10636V, A9709V.
Identifiers: ClinVar variation 448788 (VCV000448788.13), dbSNP rs773225325, ClinGen allele CA1998508.

ClinVar aggregate classification (germline): Conflicting classifications of pathogenicity. Review status: criteria provided, conflicting classifications (1 of 4 stars). 12 submissions from 8 submitters: Uncertain significance (11); Likely benign (1). Last evaluated 2025-08-14.

Conditions:
TTN-related disorder. Also called: TTN-related condition; TTN-related disease; TTN-related disorders.
Hypertrophic cardiomyopathy 9. Also called: Familial hypertrophic cardiomyopathy 9. Identifiers: MedGen C1861065, MONDO:0013412, OMIM 613765.
Myopathy, myofibrillar, 9, with early respiratory failure (MFM9). Also called: Hereditary myopathy with early respiratory failure; MYOPATHY, PROXIMAL, WITH EARLY RESPIRATORY MUSCLE INVOLVEMENT; EDSTROM MYOPATHY; Myopathy, distal, with early respiratory failure, autosomal dominant. Identifiers: Orphanet 178464, Orphanet 34521, MedGen C1863599, MONDO:0011362, OMIM 603689.
Tibial muscular dystrophy (TMD). Also called: Udd Distal Myopathy – Tibial Muscular Dystrophy; UDD MYOPATHY; Tibial muscular dystrophy, tardive. Identifiers: Orphanet 609, MedGen C1838244, MONDO:0010870, OMIM 600334.
Autosomal recessive limb-girdle muscular dystrophy type 2J (LGMDR10). Also called: Limb-girdle muscular dystrophy, type 2J; MUSCULAR DYSTROPHY, LIMB-GIRDLE, AUTOSOMAL RECESSIVE 10. Identifiers: Orphanet 140922, MedGen C1837342, MONDO:0012127, OMIM 608807.
Dilated cardiomyopathy 1G (CMD1G). Identifiers: Orphanet 154, MedGen C1858763, MONDO:0011400, OMIM 604145.
Early-onset myopathy with fatal cardiomyopathy (CMYO5). Also called: Salih Myopathy; CONGENITAL MYOPATHY 5 WITH CARDIOMYOPATHY. Identifiers: Orphanet 289377, MedGen C2673677, MONDO:0012714, OMIM 611705. Disease mechanism: loss of function.

Allele frequency attached by ClinVar (database versions not stated): ExAC below 0.00001; gnomAD 0.00001; gnomAD exomes 0.00001 and 0.00002; TOPMed 0.00002.
gnomAD v4.1: 38 of 1,552,206 alleles (0.0024%); highest among the groups gnomAD compares: Non-Finnish European, 0.003%; no homozygotes.

Submissions (12):

PreventionGenetics, part of Exact Sciences
Classification: Uncertain significance for TTN-related condition. Last evaluated: 2025-08-14. Review status: criteria provided, single submitter. Criteria: ACMG Guidelines, 2015. Collection method: clinical testing. Allele origin: germline.
Comment: The TTN c.32858C>T variant is predicted to result in the amino acid substitution p.Ala10953Val. To our knowledge, this variant has not been reported in the literature. This variant is reported in 0.0031% of alleles in individuals of European (Non-Finnish) descent in gnomAD. At this time, the clinical significance of this variant is uncertain due to the absence of conclusive functional and genetic evidence.

GeneDx
Classification: Uncertain significance. Last evaluated: 2024-11-21. Review status: criteria provided, single submitter. Criteria: GeneDx Variant Classification Process June 2021. Collection method: clinical testing. Allele origin: germline. Affected: yes.
Comment: Not observed at significant frequency in large population cohorts (gnomAD); Missense variant in a gene in which most reported pathogenic variants are truncating/loss of function; Has not been previously published as pathogenic or benign to our knowledge

Blueprint Genetics
Classification: Likely benign. Last evaluated: 2024-09-06. Review status: criteria provided, single submitter. Criteria: ACMG Guidelines, 2015. Collection method: clinical testing. Allele origin: germline.

Revvity Omics, Revvity
Classification: Uncertain significance. Last evaluated: 2022-03-09. Review status: criteria provided, single submitter. Criteria: ACMG Guidelines, 2015. Collection method: clinical testing. Allele origin: germline.

Fulgent Genetics
Classification: Uncertain significance for Tibial muscular dystrophy; Myopathy, myofibrillar, 9, with early respiratory failure; Dilated cardiomyopathy 1G; Autosomal recessive limb-girdle muscular dystrophy type 2J; Early-onset myopathy with fatal cardiomyopathy; Hypertrophic cardiomyopathy 9. Last evaluated: 2021-08-02. Review status: criteria provided, single submitter. Criteria: ACMG Guidelines, 2015. Collection method: clinical testing. Allele origin: unknown.

Women's Health and Genetics/Laboratory Corporation of America, LabCorp
Classification: Uncertain significance. Last evaluated: 2020-12-28. Review status: criteria provided, single submitter. Criteria: LabCorp Variant Classification Summary - May 2015. Collection method: clinical testing. Allele origin: germline.
Comment: Variant summary: TTN c.29126C>T (p.Ala9709Val) results in a non-conservative amino acid change located in the I-band region of the encoded protein sequence. Four of five in-silico tools predict a benign effect of the variant on protein function. The variant allele was found at a frequency of 1.2e-05 in 162614 control chromosomes. The available data on variant occurrences in the general population are insufficient to allow any conclusion about variant significance. To our knowledge, no occurrence of c.29126C>T in individuals affected with Dilated Cardiomyopathy and no experimental evidence demonstrating its impact on protein function have been reported. Three clinical diagnostic laboratories have submitted clinical-significance assessments for this variant to ClinVar after 2014 without evidence for independent evaluation. All laboratories classified the variant as uncertain significance. Based on the evidence outlined above, the variant was classified as uncertain significance.

Illumina Laboratory Services, Illumina
Classification: Uncertain significance for Early-onset myopathy with fatal cardiomyopathy. Last evaluated: 2018-01-13. Review status: criteria provided, single submitter. Criteria: ICSL Variant Classification Criteria 13 December 2019. Collection method: clinical testing. Allele origin: germline.

Illumina Laboratory Services, Illumina
Classification: Uncertain significance for Tibial muscular dystrophy. Last evaluated: 2018-01-13. Review status: criteria provided, single submitter. Criteria: ICSL Variant Classification Criteria 13 December 2019. Collection method: clinical testing. Allele origin: germline.

Illumina Laboratory Services, Illumina
Classification: Uncertain significance for Myopathy, myofibrillar, 9, with early respiratory failure. Last evaluated: 2018-01-13. Review status: criteria provided, single submitter. Criteria: ICSL Variant Classification Criteria 13 December 2019. Collection method: clinical testing. Allele origin: germline.

Illumina Laboratory Services, Illumina
Classification: Uncertain significance for Dilated cardiomyopathy 1G. Last evaluated: 2018-01-13. Review status: criteria provided, single submitter. Criteria: ICSL Variant Classification Criteria 13 December 2019. Collection method: clinical testing. Allele origin: germline.

Illumina Laboratory Services, Illumina
Classification: Uncertain significance for Autosomal recessive limb-girdle muscular dystrophy type 2J. Last evaluated: 2018-01-13. Review status: criteria provided, single submitter. Criteria: ICSL Variant Classification Criteria 13 December 2019. Collection method: clinical testing. Allele origin: germline.

Athena Diagnostics
Classification: Uncertain significance. Last evaluated: 2017-04-12. Review status: criteria provided, single submitter. Criteria: Athena Diagnostics Criteria. Collection method: clinical testing. Allele origin: germline.